The following is an entry in ClinVar:

ClinVar aggregate classification (germline): Benign/Likely benign. Review status: criteria provided, multiple submitters, no conflicts (2 of 4 stars). 9 submissions from 9 submitters: Benign (5); Likely benign (4). Last evaluated 2026-07-01.

Conditions:
ZNF423-related disorder. Also called: ZNF423-related condition.
Nephronophthisis 14 (NPHP14). Identifiers: Orphanet 2318, MedGen C3539071, MONDO:0013916, OMIM 614844.

Allele frequency attached by ClinVar (database versions not stated): 1000 Genomes Project 0.00140; 1000 Genomes Project 30x 0.00141; TOPMed 0.00340; gnomAD 0.00394 and 0.00408; gnomAD exomes 0.00413 and 0.00536; ExAC 0.00449; ESP Exome Variant Server 0.00508.
gnomAD v4.1: 8,198 of 1,583,464 alleles (0.52%); highest among the groups gnomAD compares: Non-Finnish European, 0.62%; 27 homozygotes.

Submissions (9):

CeGaT Center for Human Genetics Tuebingen
Classification: Likely benign. Last evaluated: 2026-07-01. Review status: criteria provided, single submitter. Criteria: CeGaT Center For Human Genetics Tuebingen Variant Classification Criteria Version 2. Collection method: clinical testing. Allele origin: germline. Affected: yes. Observed: 23 variant alleles.
Comment: ZNF423: BP4, BP7, BS2

PreventionGenetics, part of Exact Sciences
Classification: Benign for ZNF423-related condition. Last evaluated: 2026-04-18. Review status: criteria provided, single submitter. Criteria: ACMG Guidelines, 2015. Collection method: clinical testing. Allele origin: germline.
Comment: This variant is classified as benign based on ACMG/AMP sequence variant interpretation guidelines (Richards et al. 2015 PMID: 25741868, with internal and published modifications).

Labcorp Genetics (formerly Invitae), Labcorp
Classification: Benign for Nephronophthisis 14. Last evaluated: 2026-02-01. Review status: criteria provided, single submitter. Criteria: Invitae Variant Classification Sherloc (09022015). Collection method: clinical testing. Allele origin: germline.

Blueprint Genetics
Classification: Likely benign. Last evaluated: 2024-11-22. Review status: criteria provided, single submitter. Criteria: ACMG Guidelines, 2015. Collection method: clinical testing. Allele origin: germline.

Mayo Clinic Laboratories, Mayo Clinic
Classification: Benign. Last evaluated: 2024-10-10. Review status: criteria provided, single submitter. Criteria: ACMG Guidelines, 2015. Collection method: clinical testing. Allele origin: germline. Observed: 1 variant allele.
Comment: BS1, BS2, BP4, BP7

Genome-Nilou Lab
Classification: Benign for Nephronophthisis 14. Last evaluated: 2021-12-05. Review status: criteria provided, single submitter. Criteria: ACMG Guidelines, 2015. Collection method: clinical testing. Allele origin: germline. Affected: no.

Genetic Services Laboratory, University of Chicago
Classification: Likely benign. Last evaluated: 2019-07-17. Review status: criteria provided, single submitter. Criteria: ACMG Guidelines, 2015. Collection method: clinical testing. Allele origin: germline. Affected: no.

Eurofins Ntd Llc (ga)
Classification: Benign. Last evaluated: 2015-02-27. Review status: criteria provided, single submitter. Criteria: EGL Classification Definitions 2015. Collection method: clinical testing. Allele origin: germline. Observed: 1 variant allele, 1 heterozygote.

Breakthrough Genomics
Classification: Likely benign. Review status: criteria provided, single submitter. Criteria: ACMG Guidelines, 2015. Collection method: not provided. Allele origin: germline. Inheritance: Autosomal dominant inheritance. Affected: yes.

NM_001379286.1(ZNF423):c.3291C>T (p.Tyr1097=)

Gene: ZNF423 (zinc finger protein 423; minus strand). Cytogenetic location: 16q12.1.
Variant type: single nucleotide variant.
Coding change: c.3291C>T on transcript NM_001379286.1 (MANE Select); coding-DNA position 3291, C replaced by T.
Protein change: p.Tyr1097=; no amino-acid change (tyrosine 1097 retained).
Molecular consequence: synonymous variant.
Genome position (GRCh38, 1-based): chr16:49,635,885, G>A on the plus strand (C>T on the coding strand, the complement: ZNF423 is on the minus strand). VCF-style: chr16-49635885-G-A. GRCh37 (hg19) VCF-style: chr16-49669796-G-A.
Other names: p.Tyr1089=; c.3087C>T, p.Tyr1029= (NM_001271620.2); c.2916C>T, p.Tyr972= (NM_001330533.2); c.3267C>T, p.Tyr1089= (NM_015069.5); c.3267C>T (NM_015069.4).
Identifiers: ClinVar variation 197822 (VCV000197822.50), dbSNP rs150027129, ClinGen allele CA203106.